The following is an entry in ClinVar:

ClinVar aggregate classification (germline): Uncertain significance. Review status: criteria provided, multiple submitters, no conflicts (2 of 4 stars). 4 submissions from 4 submitters: Uncertain significance (4). Last evaluated 2026-08-17.

Conditions:
Familial thoracic aortic aneurysm and aortic dissection (TAAD). Also called: Thoracic aortic aneurysms and dissections. Identifiers: Orphanet 91387, MedGen C4707243, MONDO:0019625.
Aortic aneurysm, familial thoracic 4 (AAT4). Also called: AORTIC ANEURYSM/AORTIC DISSECTION AND PATENT DUCTUS ARTERIOSUS. Identifiers: MedGen C1851504, MONDO:0007568, OMIM 132900.

Submissions (4):

GeneDx
Classification: Uncertain significance. Last evaluated: 2026-08-17. Review status: criteria provided, single submitter. Criteria: GeneDx Variant Classification Process June 2021. Collection method: clinical testing. Allele origin: germline.
Comment: Has not been previously published as pathogenic or benign to our knowledge; Not observed at significant frequency in large population cohorts (gnomAD); In-frame deletion of 1 amino acid(s) in a non-repeat region; In silico analysis supports a deleterious effect on protein structure/function

Labcorp Genetics (formerly Invitae), Labcorp
Classification: Uncertain significance for Aortic aneurysm, familial thoracic 4. Last evaluated: 2026-01-12. Review status: criteria provided, single submitter. Criteria: Invitae Variant Classification Sherloc (09022015). Collection method: clinical testing. Allele origin: germline.
Comment: This variant, c.4786_4788del, results in the deletion of 1 amino acid(s) of the MYH11 protein (p.Glu1596del), but otherwise preserves the integrity of the reading frame. This variant is present in population databases (rs773606406, gnomAD 0.006%). This variant has not been reported in the literature in individuals affected with MYH11-related conditions. Experimental studies and prediction algorithms are not available or were not evaluated, and the functional significance of this variant is currently unknown. In summary, the available evidence is currently insufficient to determine the role of this variant in disease. Therefore, it has been classified as a Variant of Uncertain Significance.

CeGaT Center for Human Genetics Tuebingen
Classification: Uncertain significance. Last evaluated: 2025-04-01. Review status: criteria provided, single submitter. Criteria: CeGaT Center For Human Genetics Tuebingen Variant Classification Criteria Version 2. Collection method: clinical testing. Allele origin: germline. Affected: yes. Observed: 1 variant allele.
Comment: MYH11: PM2, PM4:Supporting

Color Diagnostics, LLC DBA Color Health
Classification: Uncertain significance for Familial thoracic aortic aneurysm and aortic dissection. Last evaluated: 2024-05-13. Review status: criteria provided, single submitter. Criteria: ACMG Guidelines, 2015. Collection method: clinical testing. Allele origin: germline.
Comment: This variant causes an in-frame deletion of one amino acid at exon 34 of the MYH11 protein. To our knowledge, functional studies have not been reported for this variant. This variant has not been reported in individuals affected with MYH11-related disorders in the literature. This variant has been identified in 4/251294 chromosomes in the general population by the Genome Aggregation Database (gnomAD). The available evidence is insufficient to determine the role of this variant in disease conclusively. Therefore, this variant is classified as a Variant of Uncertain Significance.

NM_002474.3(MYH11):c.4762GAG[1] (p.Glu1589del)

Genes: MYH11 (myosin heavy chain 11; minus strand), NDE1 (nudE neurodevelopment protein 1; plus strand). Cytogenetic location: 16p13.11.
Variant type: Microsatellite.
Coding change: c.4762GAG[1] on transcript NM_002474.3 (MANE Select); one copy of the 3-base unit GAG starting at c.4762; the reference has two copies in a row; one copy, 3 bases deleted.
Protein change: p.Glu1589del; deletes glutamic acid 1589.
Molecular consequence: inframe deletion. On other transcripts: intron variant (2).
Genome position (GRCh38, 1-based): chr16:15,720,863-15,720,865, CTC deleted on the plus strand (GAG on the coding strand, the reverse complement: MYH11 is on the minus strand); deleting any 3 consecutive bases within chr16:15,720,863-15,720,868 gives the same sequence; the position shown is the placement nearest the transcript's 3' end. VCF-style (leftmost placement, unchanged base first): chr16-15720862-TCTC-T. GRCh37 (hg19) VCF-style: chr16-15814719-TCTC-T.
Other names: c.4783GAG[1], p.Glu1596del (NM_001040113.2, NM_001040114.2); c.4762GAG[1], p.Glu1589del (NM_022844.3); c.948-3325_948-3323del (NM_001143979.2, NM_017668.3); c.4786_4788del (NM_001040113.2); short protein forms E1589del, E1596del.
Identifiers: ClinVar variation 1712639 (VCV001712639.13), dbSNP rs773606406, ClinGen allele CA278601645.